The following is an entry in ClinVar:

ClinVar aggregate classification (germline): Uncertain significance (1 of 4 stars; one submission).

Conditions:
FBN2-related disorder. Also called: FBN2-related condition.

Submission:

PreventionGenetics, part of Exact Sciences
Classification: Uncertain significance for FBN2-related condition. Last evaluated: 2026-09-17. Review status: criteria provided, single submitter. Criteria: ACMG Guidelines, 2015. Collection method: clinical testing. Allele origin: germline.
Comment: The FBN2 c.8519A>G variant is predicted to result in the amino acid substitution p.Asn2840Ser. To our knowledge, this variant has not been reported in the literature or in a large population database (gnomAD), indicating this variant is rare. At this time, the clinical significance of this variant is uncertain due to the absence of conclusive functional and genetic evidence.

NM_001999.4(FBN2):c.8519A>G (p.Asn2840Ser)

Gene: FBN2 (fibrillin 2; minus strand). Cytogenetic location: 5q23.3.
Variant type: single nucleotide variant.
Coding change: c.8519A>G on transcript NM_001999.4 (MANE Select); coding-DNA position 8519, A replaced by G.
Protein change: p.Asn2840Ser; replaces asparagine 2840 with serine.
Molecular consequence: missense variant.
Genome position (GRCh38, 1-based): chr5:128,259,675, T>C on the plus strand (A>G on the coding strand, the complement: FBN2 is on the minus strand). VCF-style: chr5-128259675-T-C. GRCh37 (hg19) VCF-style: chr5-127595367-T-C.
Other names: short protein forms N2840S.
Identifiers: ClinVar variation 4986671 (VCV004986671.1).